The following is an entry in ClinVar:

NM_031296.3(RAB33B):c.*595G>A

Gene: RAB33B (RAB33B, member RAS oncogene family; plus strand). Cytogenetic location: 4q31.1.
Variant type: single nucleotide variant.
Coding change: c.*595G>A on transcript NM_031296.3 (MANE Select); 595 bases downstream of the stop codon, G replaced by A.
Molecular consequence: 3 prime UTR variant.
Genome position (GRCh38, 1-based): chr4:139,473,721, G>A. VCF-style: chr4-139473721-G-A. GRCh37 (hg19) VCF-style: chr4-140394875-G-A.
Identifiers: ClinVar variation 347575 (VCV000347575.6), dbSNP rs13137997, ClinGen allele CA10617075.

ClinVar aggregate classification (germline): Likely benign. Review status: criteria provided, multiple submitters, no conflicts (2 of 4 stars). 2 submissions from 2 submitters: Likely benign (2). Last evaluated 2017-04-27.

Conditions:
Smith-McCort dysplasia 2 (SMC2). Identifiers: MedGen C3714896, MONDO:0014087, OMIM 615222.

Allele frequency attached by ClinVar (database versions not stated): 1000 Genomes Project 30x 0.10072; gnomAD exomes 0.10204; 1000 Genomes Project 0.10383; TOPMed 0.12770; gnomAD 0.13614 and 0.13673.

Submissions (2):

Illumina Laboratory Services, Illumina
Classification: Likely benign for Smith-McCort dysplasia 2. Last evaluated: 2017-04-27. Review status: criteria provided, single submitter. Criteria: ICSL Variant Classification Criteria 13 December 2019. Collection method: clinical testing. Allele origin: germline.
Comment: This variant was observed as part of a predisposition screen in an ostensibly healthy population. A literature search was performed for the gene, cDNA change, and amino acid change (where applicable). No publications were found based on this search. Allele frequency data from public databases allowed determination this variant is unlikely to cause disease. Therefore, this variant is classified as likely benign.

Breakthrough Genomics
Classification: Likely benign. Review status: criteria provided, single submitter. Criteria: ACMG Guidelines, 2015. Collection method: not provided. Allele origin: germline. Inheritance: Autosomal recessive inheritance. Affected: yes.